The following is an entry in ClinVar:

NM_194454.3(KRIT1):c.1412-2A>C

Gene: KRIT1 (KRIT1 ankyrin repeat containing; minus strand). Cytogenetic location: 7q21.2.
Variant type: single nucleotide variant.
Coding change: c.1412-2A>C on transcript NM_194454.3 (MANE Select); the canonical splice acceptor site of the intron before coding-DNA position 1412, A replaced by C.
Molecular consequence: splice acceptor variant.
Genome position (GRCh38, 1-based): chr7:92,222,055, T>G on the plus strand (A>C on the coding strand, the complement: KRIT1 is on the minus strand). VCF-style: chr7-92222055-T-G. GRCh37 (hg19) VCF-style: chr7-91851369-T-G.
Other names: c.1412-2A>C (NM_001350672.1, NM_001350676.1, NM_001350673.1 and 26 more transcripts); c.1268-2A>C (NM_001350669.1, NM_001013406.2, NM_001350670.1); c.698-2A>C (NM_001350671.1).
Identifiers: ClinVar variation 590705 (VCV000590705.15), dbSNP rs1563264113, ClinGen allele CA368146810.
Genomic context (GRCh38, chr7:92,222,055, plus strand): 5'-TATTTCTGGCCAGTCACGAACATGTTGCAAGGGTTTATGATATGGTTTGAGTTGAAGGCC[T>G]GAAAAACATCATTCCTTTTATAAATGATAATGTAAAAAGTCAATTATATCAATGCATAGA-3'

ClinVar aggregate classification (germline): Pathogenic. Review status: criteria provided, multiple submitters, no conflicts (2 of 4 stars). 3 submissions from 3 submitters: Pathogenic (3). Last evaluated 2025-01-21.

Conditions:
Cerebral cavernous malformation (CCM). Also called: Cavernous Hemangioma of Brain; Cerebral cavernous hemangioma (type); Cerebral cavernous malformations; CAVERNOUS ANGIOMA, FAMILIAL; CAVERNOUS ANGIOMATOUS MALFORMATIONS; CEREBRAL CAPILLARY MALFORMATIONS. Identifiers: Orphanet 221061, MedGen C2919945, MONDO:0000820, OMIM 116860, HP:0033522.

Submissions (3):

GeneDx
Classification: Pathogenic. Last evaluated: 2025-01-21. Review status: criteria provided, single submitter. Criteria: GeneDx Variant Classification Process June 2021. Collection method: clinical testing. Allele origin: germline. Affected: yes.
Comment: Canonical splice site variant in a gene for which loss-of-function is a known mechanism of disease; Not observed in large population cohorts (gnomAD); Has not been previously published as pathogenic or benign to our knowledge

PreventionGenetics, part of Exact Sciences
Classification: Pathogenic. Last evaluated: 2020-12-22. Review status: criteria provided, single submitter. Criteria: ACMG Guidelines, 2015. Collection method: clinical testing. Allele origin: germline.

Labcorp Genetics (formerly Invitae), Labcorp
Classification: Pathogenic for Cerebral cavernous malformation. Last evaluated: 2019-12-08. Review status: criteria provided, single submitter. Criteria: Invitae Variant Classification Sherloc (09022015). Collection method: clinical testing. Allele origin: germline.
Comment: Disruption of this splice site has been observed in individual(s) with cerebral cavernous malformations (PMID: 12854741, Invitae). ClinVar contains an entry for this variant (Variation ID: 590705). This variant is not present in population databases (ExAC no frequency). This sequence change affects an acceptor splice site in intron 14 of the KRIT1 gene. It is expected to disrupt RNA splicing and likely results in an absent or disrupted protein product. Algorithms developed to predict the effect of sequence changes on RNA splicing suggest that this variant may disrupt the consensus splice site, but this prediction has not been confirmed by published transcriptional studies. For these reasons, this variant has been classified as Pathogenic. Donor and acceptor splice site variants typically lead to a loss of protein function (PMID: 16199547), and loss-of-function variants in KRIT1 are known to be pathogenic (PMID: 10508515, 11222804, 12404106, 24689081).

Literature cited by the submitters: PubMed 12854741 (cited by Labcorp Genetics (formerly Invitae), Labcorp); PubMed 16199547 (cited by Labcorp Genetics (formerly Invitae), Labcorp); PubMed 10508515 (cited by Labcorp Genetics (formerly Invitae), Labcorp); PubMed 11222804 (cited by Labcorp Genetics (formerly Invitae), Labcorp); PubMed 12404106 (cited by Labcorp Genetics (formerly Invitae), Labcorp); PubMed 24689081 (cited by Labcorp Genetics (formerly Invitae), Labcorp).